The following is an entry in ClinVar:

ClinVar aggregate classification (germline): Likely pathogenic. Review status: criteria provided, multiple submitters, no conflicts (2 of 4 stars). 2 submissions from 2 submitters: Likely pathogenic (2). Last evaluated 2025-08-12.

Conditions:
Cardiovascular phenotype. Identifiers: MedGen CN230736.
Hypertrophic cardiomyopathy. Also called: HYPERTROPHIC MYOCARDIOPATHY. Identifiers: Orphanet 217569, MedGen C0007194, MeSH D002312, MONDO:0005045, HP:0001639.

Submissions (2):

Ambry Genetics
Classification: Likely pathogenic for Cardiovascular phenotype. Last evaluated: 2025-08-12. Review status: criteria provided, single submitter. Criteria: Ambry Variant Classification Scheme 2023. Collection method: clinical testing. Allele origin: germline.
Comment: The p.D953H variant (also known as c.2857G>C), located in coding exon 21 of the MYH7 gene, results from a G to C substitution at nucleotide position 2857. The aspartic acid at codon 953 is replaced by histidine, an amino acid with similar properties. This variant was reported in individual(s) with features consistent with hypertrophic cardiomyopathy (Van Driest SL et al. J Am Coll Cardiol, 2004 Aug;44:602-10; Curila K et al. Acta Cardiol, 2012 Feb;67:23-9; Bos JM et al. Mayo Clin Proc, 2014 Jun;89:727-37; Mattivi CL et al. Circ Genom Precis Med, 2020 Oct;13:453-459; Bonaventura J et al. J Am Heart Assoc, 2024 May;13:e033565; Ambry internal data; external communication). This amino acid position is highly conserved in available vertebrate species. In addition, this alteration is predicted to be deleterious by in silico analysis. This variant is considered to be rare based on population cohorts in the Genome Aggregation Database (gnomAD). Based on the majority of available evidence to date, this variant is likely to be pathogenic.

Labcorp Genetics (formerly Invitae), Labcorp
Classification: Likely pathogenic for Hypertrophic cardiomyopathy. Last evaluated: 2022-11-29. Review status: criteria provided, single submitter. Criteria: Invitae Variant Classification Sherloc (09022015). Collection method: clinical testing. Allele origin: germline.
Comment: In summary, the currently available evidence indicates that the variant is pathogenic, but additional data are needed to prove that conclusively. Therefore, this variant has been classified as Likely Pathogenic. Advanced modeling of protein sequence and biophysical properties (such as structural, functional, and spatial information, amino acid conservation, physicochemical variation, residue mobility, and thermodynamic stability) performed at Invitae indicates that this missense variant is expected to disrupt MYH7 protein function. ClinVar contains an entry for this variant (Variation ID: 577406). This missense change has been observed in individuals with hypertrophic cardiomyopathy (PMID: 15358028, 22455086). This variant is not present in population databases (gnomAD no frequency). This sequence change replaces aspartic acid, which is acidic and polar, with histidine, which is basic and polar, at codon 953 of the MYH7 protein (p.Asp953His).

Literature cited by the submitters: PubMed 15358028 (cited by Ambry Genetics and Labcorp Genetics (formerly Invitae), Labcorp); PubMed 22455086 (cited by Ambry Genetics and Labcorp Genetics (formerly Invitae), Labcorp); PubMed 24793961 (cited by Ambry Genetics); PubMed 32894683 (cited by Ambry Genetics); PubMed 38757491 (cited by Ambry Genetics).

NM_000257.4(MYH7):c.2857G>C (p.Asp953His)

Gene: MYH7 (myosin heavy chain 7; minus strand). Cytogenetic location: 14q11.2.
Variant type: single nucleotide variant.
Coding change: c.2857G>C on transcript NM_000257.4 (MANE Select); coding-DNA position 2857, G replaced by C.
Protein change: p.Asp953His; replaces aspartic acid 953 with histidine.
Molecular consequence: missense variant.
Genome position (GRCh38, 1-based): chr14:23,423,972, C>G on the plus strand (G>C on the coding strand, the complement: MYH7 is on the minus strand). VCF-style: chr14-23423972-C-G. GRCh37 (hg19) VCF-style: chr14-23893181-C-G.
Other names: short protein forms D953H.
Identifiers: ClinVar variation 577406 (VCV000577406.9), dbSNP rs1391622163, ClinGen allele CA389046802.